The following is an entry in ClinVar:

ClinVar aggregate classification (germline): Uncertain significance (1 of 4 stars; one submission).

Conditions:
Ullrich congenital muscular dystrophy 2 (UCMD2). Identifiers: Orphanet 75840, MedGen C4225314, MONDO:0014654, OMIM 616470.
Bethlem myopathy 2 (BTHLM2). Identifiers: Orphanet 536516, Orphanet 610, MedGen C4225313, MONDO:0034022, OMIM 616471.

Allele frequency attached by ClinVar (database versions not stated): gnomAD exomes below 0.00001; TOPMed below 0.00001; ExAC 0.00002.
gnomAD v4.1: 2 of 1,589,202 alleles (0.00013%); highest among the groups gnomAD compares: Admixed American, 0.0037%; no homozygotes.

Submission:

Labcorp Genetics (formerly Invitae), Labcorp
Classification: Uncertain significance for Bethlem myopathy 2; Ullrich congenital muscular dystrophy 2. Last evaluated: 2024-01-26. Review status: criteria provided, single submitter. Criteria: Invitae Variant Classification Sherloc (09022015). Collection method: clinical testing. Allele origin: germline.
Comment: This sequence change falls in intron 10 of the COL12A1 gene. It does not directly change the encoded amino acid sequence of the COL12A1 protein. It affects a nucleotide within the consensus splice site. This variant is present in population databases (rs751380770, gnomAD 0.007%). This variant has not been reported in the literature in individuals affected with COL12A1-related conditions. Variants that disrupt the consensus splice site are a relatively common cause of aberrant splicing (PMID: 17576681, 9536098). Algorithms developed to predict the effect of sequence changes on RNA splicing suggest that this variant is not likely to affect RNA splicing. In summary, the available evidence is currently insufficient to determine the role of this variant in disease. Therefore, it has been classified as a Variant of Uncertain Significance.

Literature cited by the submitters: PubMed 17576681; PubMed 9536098.

NM_004370.6(COL12A1):c.1891+6T>C

Gene: COL12A1 (collagen type XII alpha 1 chain; minus strand). Cytogenetic location: 6q13.
Variant type: single nucleotide variant.
Coding change: c.1891+6T>C on transcript NM_004370.6 (MANE Select); 6 bases into the intron after coding-DNA position 1891, T replaced by C.
Molecular consequence: intron variant.
Genome position (GRCh38, 1-based): chr6:75,183,044, A>G on the plus strand (T>C on the coding strand, the complement: COL12A1 is on the minus strand). VCF-style: chr6-75183044-A-G. GRCh37 (hg19) VCF-style: chr6-75892760-A-G.
Other names: c.73+19676T>C (NM_001424116.1, NM_080645.3); c.1891+6T>C (NM_001424115.1, NM_001424114.1, NM_001424113.1).
Identifiers: ClinVar variation 2934914 (VCV002934914.3), dbSNP rs751380770, ClinGen allele CA3894121.